The following is an entry in ClinVar:

ClinVar aggregate classification (germline): Benign (1 of 4 stars; one submission).

Conditions:
Osteopetrosis. Identifiers: Orphanet 2781, MedGen C0029454, MONDO:0017198, HP:0011002.

Allele frequency attached by ClinVar (database versions not stated): gnomAD exomes 0.00417; gnomAD 0.00721 and 0.00770; TOPMed 0.00803; 1000 Genomes Project 0.00998; 1000 Genomes Project 30x 0.01077.
gnomAD v4.1: 1,087 of 152,568 alleles (0.71%); highest among the groups gnomAD compares: African/African-American, 2.5%; 14 homozygotes.

Submission:

Illumina Laboratory Services, Illumina
Classification: Benign for Osteopetrosis. Last evaluated: 2018-01-12. Review status: criteria provided, single submitter. Criteria: ICSL Variant Classification Criteria 13 December 2019. Collection method: clinical testing. Allele origin: germline.
Comment: This variant was observed in the ICSL laboratory as part of a predisposition screen in an ostensibly healthy population. It had not been previously curated by ICSL or reported in the Human Gene Mutation Database (HGMD: prior to June 1st, 2018), and was therefore a candidate for classification through an automated scoring system. Utilizing variant allele frequency, disease prevalence and penetrance estimates, and inheritance mode, an automated score was calculated to assess if this variant is too frequent to cause the disease. Based on the score and internal cut-off values, a variant classified as benign is not then subjected to further curation. The score for this variant resulted in a classification of benign for this disease.

NM_001287.6(CLCN7):c.*1645G>C

Gene: CLCN7 (chloride voltage-gated channel 7; minus strand). Cytogenetic location: 16p13.3.
Variant type: single nucleotide variant.
Coding change: c.*1645G>C on transcript NM_001287.6 (MANE Select); 1645 bases downstream of the stop codon, G replaced by C.
Molecular consequence: 3 prime UTR variant.
Genome position (GRCh38, 1-based): chr16:1,444,986, C>G on the plus strand (G>C on the coding strand, the complement: CLCN7 is on the minus strand). VCF-style: chr16-1444986-C-G. GRCh37 (hg19) VCF-style: chr16-1494987-C-G.
Other names: c.*1645G>C (NM_001114331.3).
Identifiers: ClinVar variation 317903 (VCV000317903.5), dbSNP rs74002247, ClinGen allele CA10642931.